The following is an entry in ClinVar:

ClinVar aggregate classification (germline): Uncertain significance (1 of 4 stars; one submission).

Conditions:
Fibrous dysplasia of jaw (CRBM). Also called: Cherubism. Identifiers: Orphanet 184, MedGen C0008029, MONDO:0007315, OMIM 118400.

Submission:

Labcorp Genetics (formerly Invitae), Labcorp
Classification: Uncertain significance for Fibrous dysplasia of jaw. Last evaluated: 2024-05-07. Review status: criteria provided, single submitter. Criteria: Invitae Variant Classification Sherloc (09022015). Collection method: clinical testing. Allele origin: germline.
Comment: This sequence change replaces alanine, which is neutral and non-polar, with glycine, which is neutral and non-polar, at codon 437 of the SH3BP2 protein (p.Ala437Gly). This variant is not present in population databases (gnomAD no frequency). This variant has not been reported in the literature in individuals affected with SH3BP2-related conditions. Advanced modeling of protein sequence and biophysical properties (such as structural, functional, and spatial information, amino acid conservation, physicochemical variation, residue mobility, and thermodynamic stability) performed at Invitae indicates that this missense variant is not expected to disrupt SH3BP2 protein function with a negative predictive value of 80%. In summary, the available evidence is currently insufficient to determine the role of this variant in disease. Therefore, it has been classified as a Variant of Uncertain Significance.

NM_001122681.2(SH3BP2):c.1310C>G (p.Ala437Gly)

Gene: SH3BP2 (SH3 domain binding protein 2; plus strand). Cytogenetic location: 4p16.3.
Variant type: single nucleotide variant.
Coding change: c.1310C>G on transcript NM_001122681.2 (MANE Select); coding-DNA position 1310, C replaced by G.
Protein change: p.Ala437Gly; replaces alanine 437 with glycine.
Molecular consequence: missense variant.
Genome position (GRCh38, 1-based): chr4:2,831,639, C>G. VCF-style: chr4-2831639-C-G. GRCh37 (hg19) VCF-style: chr4-2833366-C-G.
Other names: c.1394C>G, p.Ala465Gly (NM_001145855.2); c.1481C>G, p.Ala494Gly (NM_001145856.2); c.1310C>G, p.Ala437Gly (NM_003023.4); short protein forms A437G, A465G, A494G.
Identifiers: ClinVar variation 3652569 (VCV003652569.2).
Genomic context (GRCh38, chr4:2,831,639, plus strand): 5'-CCCCCGATGGGCAGAGTTTCAGGAGCTTCTCCTTTGAAAAGCCCCGGCAACCCTCACAGG[C>G]TGACACTGGCGGGGACGACTCGGACGAGGACTATGAGAAGGCAAGGCTGAGCGGCAAGCC-3'
Protein context (NP_001116153.1, residues 427-447): SFEKPRQPSQ[Ala437Gly]DTGGDDSDED